The following is an entry in ClinVar:

ClinVar aggregate classification (germline): Benign. Review status: criteria provided, multiple submitters, no conflicts (2 of 4 stars). 3 submissions from 3 submitters: Benign (3). Last evaluated 2018-01-13.

Conditions:
Familial X-linked hypophosphatemic vitamin D refractory rickets (XLHRD). Also called: X-Linked Hypophosphatemia; HYPOPHOSPHATEMIC VITAMIN D-RESISTANT RICKETS; Hypophosphatemic Rickets, X-Linked Dominant; Hypophosphatemia, vitamin D-resistant rickets; Vitamin D-resistant rickets, X-linked. Identifiers: Orphanet 89936, MedGen C0733682, MONDO:0010619, OMIM 307800.

Allele frequency attached by ClinVar (database versions not stated): gnomAD exomes 0.46019; gnomAD 0.51407; 1000 Genomes Project 0.52159; 1000 Genomes Project 30x 0.52799; TOPMed 0.54073.

Submissions (3):

Illumina Laboratory Services, Illumina
Classification: Benign for Familial X-linked hypophosphatemic vitamin D refractory rickets. Last evaluated: 2018-01-13. Review status: criteria provided, single submitter. Criteria: ICSL Variant Classification Criteria 13 December 2019. Collection method: clinical testing. Allele origin: germline.
Comment: This variant was observed in the ICSL laboratory as part of a predisposition screen in an ostensibly healthy population. It had not been previously curated by ICSL or reported in the Human Gene Mutation Database (HGMD: prior to June 1st, 2018), and was therefore a candidate for classification through an automated scoring system. Utilizing variant allele frequency, disease prevalence and penetrance estimates, and inheritance mode, an automated score was calculated to assess if this variant is too frequent to cause the disease. Based on the score and internal cut-off values, a variant classified as benign is not then subjected to further curation. The score for this variant resulted in a classification of benign for this disease.

GeneDx
Classification: Benign. Last evaluated: 2015-03-03. Review status: criteria provided, single submitter. Criteria: GeneDx Variant Classification Process June 2021. Collection method: clinical testing. Allele origin: germline. Affected: yes.

Breakthrough Genomics
Classification: Benign. Review status: criteria provided, single submitter. Criteria: ACMG Guidelines, 2015. Collection method: not provided. Allele origin: germline. Inheritance: X-linked inheritance. Affected: yes.

NM_000444.6(PHEX):c.-90A>G

Gene: PHEX (phosphate regulating endopeptidase X-linked; plus strand). Cytogenetic location: Xp22.11.
Variant type: single nucleotide variant.
Coding change: c.-90A>G on transcript NM_000444.6 (MANE Select); 90 bases upstream of the start codon, A replaced by G.
Molecular consequence: 5 prime UTR variant.
Genome position (GRCh38, 1-based): chrX:22,032,916, A>G. VCF-style: chrX-22032916-A-G. GRCh37 (hg19) VCF-style: chrX-22051034-A-G.
Other names: c.-90A>G (NM_001282754.2).
Identifiers: ClinVar variation 368155 (VCV000368155.8), dbSNP rs178710, ClinGen allele CA10654290.